The following is an entry in ClinVar:

NM_000443.4(ABCB4):c.1429_1432dup (p.Glu478fs)

Gene: ABCB4 (ATP binding cassette subfamily B member 4; minus strand). Cytogenetic location: 7q21.12.
Variant type: Duplication.
Coding change: c.1429_1432dup on transcript NM_000443.4 (MANE Select); coding-DNA positions 1429 to 1432, 4 bases duplicated (CAGG; older notation c.1429_1432dupCAGG).
Protein change: p.Glu478fs; shifts the reading frame from glutamic acid 478.
Molecular consequence: frameshift variant.
Genome position (GRCh38, 1-based): chr7:87,440,327-87,440,330, CCTG duplicated on the plus strand (CAGG on the coding strand, the reverse complement: ABCB4 is on the minus strand). VCF-style (leftmost placement, unchanged base first): chr7-87440326-T-TCCTG. GRCh37 (hg19) VCF-style: chr7-87069642-T-TCCTG.
Other names: c.1429_1432dup, p.Glu478fs (NM_018849.3, NM_018850.3); short protein forms E478fs.
Identifiers: ClinVar variation 3727368 (VCV003727368.2).

ClinVar aggregate classification (germline): Pathogenic (1 of 4 stars; one submission).

Submission:

Labcorp Genetics (formerly Invitae), Labcorp
Classification: Pathogenic. Last evaluated: 2024-12-15. Review status: criteria provided, single submitter. Criteria: Invitae Variant Classification Sherloc (09022015). Collection method: clinical testing. Allele origin: germline.
Comment: This sequence change creates a premature translational stop signal (p.Glu478Alafs*12) in the ABCB4 gene. It is expected to result in an absent or disrupted protein product. Loss-of-function variants in ABCB4 are known to be pathogenic (PMID: 17726488, 25755532). This variant is not present in population databases (gnomAD no frequency). This variant has not been reported in the literature in individuals affected with ABCB4-related conditions. For these reasons, this variant has been classified as Pathogenic.

Literature cited by the submitters: PubMed 17726488; PubMed 25755532.